The following is an entry in ClinVar:

NM_000053.4(ATP7B):c.3958A>G (p.Arg1320Gly)

Gene: ATP7B (ATPase copper transporting beta; minus strand). Cytogenetic location: 13q14.3.
Variant type: single nucleotide variant.
Coding change: c.3958A>G on transcript NM_000053.4 (MANE Select); coding-DNA position 3958, A replaced by G.
Protein change: p.Arg1320Gly; replaces arginine 1320 with glycine.
Molecular consequence: missense variant.
Genome position (GRCh38, 1-based): chr13:51,937,339, T>C on the plus strand (A>G on the coding strand, the complement: ATP7B is on the minus strand). VCF-style: chr13-51937339-T-C. GRCh37 (hg19) VCF-style: chr13-52511475-T-C.
Other names: c.3337A>G, p.Arg1113Gly (NM_001005918.3); c.3625A>G, p.Arg1209Gly (NM_001243182.2); c.3724A>G, p.Arg1242Gly (NM_001330578.2); c.3706A>G, p.Arg1236Gly (NM_001330579.2); short protein forms R1113G, R1209G, R1236G, R1242G, R1320G.
Identifiers: ClinVar variation 1484202 (VCV001484202.7), dbSNP rs2138561490, ClinGen allele CA388021086.
Genomic context (GRCh38, chr13:51,937,339, plus strand): 5'-CTGCAATGGGTATCCCAACCAGGTTATAAATCAGTGCCAGGACCAGGTTGATGCGTATCC[T>C]TCGGACAGTCCTCTTGGAAAGGTGAATGCTAGCCACCACATCCAGCAAATCATTCTGATG-3'
Protein context (NP_000044.2, residues 1310-1330): SIHLSKRTVR[Arg1320Gly]IRINLVLALI

ClinVar aggregate classification (germline): Conflicting classifications of pathogenicity. Review status: criteria provided, conflicting classifications (1 of 4 stars). 2 submissions from 2 submitters: Likely pathogenic (1); Uncertain significance (1). Last evaluated 2024-04-16.

Conditions:
Wilson disease (WND). Also called: Wilson's disease. Identifiers: Orphanet 905, MedGen C0019202, MONDO:0010200, OMIM 277900. Disease mechanism: loss of function.

Allele frequency attached by ClinVar (database versions not stated): gnomAD exomes below 0.00001.
gnomAD v4.1: 1 of 1,614,134 alleles (0.000062%); highest among the groups gnomAD compares: Non-Finnish European, 0.000085%; no homozygotes.

Submissions (2):

All of Us Research Program, National Institutes of Health
Classification: Uncertain significance for Wilson disease. Last evaluated: 2024-04-16. Review status: criteria provided, single submitter. Criteria: ACMG Guidelines, 2015. Collection method: clinical testing. Allele origin: germline. Inheritance: Autosomal recessive inheritance. Observed: 1 variant allele, 1 heterozygote.
Comment: This missense variant replaces arginine with glycine at codon 1320 of the ATP7B protein. Computational prediction suggests that this variant may have deleterious impact on protein structure and function. To our knowledge, functional studies have not been reported for this variant. This variant has not been reported in individuals affected with ATP7B-related disorders in the literature. This variant has not been identified in the general population by the Genome Aggregation Database (gnomAD). The available evidence is insufficient to determine the role of this variant in disease conclusively. Therefore, this variant is classified as a Variant of Uncertain Significance.

This study involves interpretation of variants in research participants for the purpose of population health screening. Participant phenotype was not available at the time of variant classification. Additional details can be found in publication PMID: 35346344, PMCID: PMC8962531

Labcorp Genetics (formerly Invitae), Labcorp
Classification: Likely pathogenic for Wilson disease. Last evaluated: 2021-10-05. Review status: criteria provided, single submitter. Criteria: Invitae Variant Classification Sherloc (09022015). Collection method: clinical testing. Allele origin: germline.
Comment: In summary, the currently available evidence indicates that the variant is pathogenic, but additional data are needed to prove that conclusively. Therefore, this variant has been classified as Likely Pathogenic. This variant disrupts the p.Arg1320 amino acid residue in ATP7B. Other variant(s) that disrupt this residue have been determined to be pathogenic (PMID: 23843956, 27398169). This suggests that this residue is clinically significant, and that variants that disrupt this residue are likely to be disease-causing. Advanced modeling of protein sequence and biophysical properties (such as structural, functional, and spatial information, amino acid conservation, physicochemical variation, residue mobility, and thermodynamic stability) performed at Invitae indicates that this missense variant is expected to disrupt ATP7B protein function. This variant has not been reported in the literature in individuals affected with ATP7B-related conditions. This variant is not present in population databases (ExAC no frequency). This sequence change replaces arginine with glycine at codon 1320 of the ATP7B protein (p.Arg1320Gly). The arginine residue is highly conserved and there is a moderate physicochemical difference between arginine and glycine.

Literature cited by the submitters: PubMed 23843956 (cited by Labcorp Genetics (formerly Invitae), Labcorp); PubMed 27398169 (cited by Labcorp Genetics (formerly Invitae), Labcorp).